The following is an entry in ClinVar:

NM_133259.4(LRPPRC):c.3855G>C (p.Pro1285=)

Gene: LRPPRC (leucine rich pentatricopeptide repeat containing; minus strand). Cytogenetic location: 2p21.
Variant type: single nucleotide variant.
Coding change: c.3855G>C on transcript NM_133259.4 (MANE Select); coding-DNA position 3855, G replaced by C.
Protein change: p.Pro1285=; no amino-acid change (proline 1285 retained).
Molecular consequence: synonymous variant.
Genome position (GRCh38, 1-based): chr2:43,896,679, C>G on the plus strand (G>C on the coding strand, the complement: LRPPRC is on the minus strand). VCF-style: chr2-43896679-C-G. GRCh37 (hg19) VCF-style: chr2-44123818-C-G.
Identifiers: ClinVar variation 730251 (VCV000730251.14), dbSNP rs571550652, ClinGen allele CA1637914.
Genomic context (GRCh38, chr2:43,896,679, plus strand): 5'-GGTAAAGCACAGTACCTTTCCTTGTTTCCTAGAATTCCTAAGGAGGAACAACAACAAAAT[C>G]GGGGTTTGTTCAGCAATTGCACCACATCTCTAAAAATTAAAACATTATTCAGTAAGTGAA-3'
Protein context (NP_573566.2, residues 1275-1295): QRCGAIAEQT[Pro1285=]ILLLFLLRNS

ClinVar aggregate classification (germline): Conflicting classifications of pathogenicity. Review status: criteria provided, conflicting classifications (1 of 4 stars). 3 submissions from 3 submitters: Uncertain significance (1); Likely benign (1). 1 of the submissions does not count toward it. Last evaluated 2025-11-19.

Conditions:
Congenital lactic acidosis, Saguenay-Lac-Saint-Jean type (MC4DN5). Also called: MITOCHONDRIAL COMPLEX IV DEFICIENCY, NUCLEAR TYPE 5; CYTOCHROME c OXIDASE DEFICIENCY, FRENCH CANADIAN TYPE; COX DEFICIENCY, FRENCH CANADIAN TYPE. Identifiers: Orphanet 70472, MedGen C1857355, MONDO:0009069, OMIM 220111.

Allele frequency attached by ClinVar (database versions not stated): gnomAD 0.00004; TOPMed 0.00002; 1000 Genomes Project 0.00020; 1000 Genomes Project 30x 0.00016.
gnomAD v4.1: 81 of 1,612,536 alleles (0.005%); highest among the groups gnomAD compares: Admixed American, 0.0083%; no homozygotes.

Submissions (3):

Labcorp Genetics (formerly Invitae), Labcorp
Classification: Likely benign. Last evaluated: 2025-11-19. Review status: criteria provided, single submitter. Criteria: Invitae Variant Classification Sherloc (09022015). Collection method: clinical testing. Allele origin: germline.

GeneDx
Classification: Uncertain significance. Last evaluated: 2025-03-30. Review status: criteria provided, single submitter. Criteria: GeneDx Variant Classification Process June 2021. Collection method: clinical testing. Allele origin: germline.
Comment: Not observed at significant frequency in large population cohorts (gnomAD); Has not been previously published as pathogenic or benign to our knowledge; In silico analysis is inconclusive as to whether the variant alters gene splicing. In the absence of RNA/functional studies, the actual effect of this sequence change is unknown

Natera, Inc.
Classification: Uncertain significance for French-Canadian type Leigh syndrome. Last evaluated: 2020-03-11. Review status: no assertion criteria provided. Collection method: clinical testing. Allele origin: germline. Not counted in ClinVar's aggregate classification.